The following is an entry in ClinVar:

ClinVar aggregate classification (germline): Uncertain significance (1 of 4 stars; one submission).

Submission:

Ambry Genetics
Classification: Uncertain significance. Last evaluated: 2025-01-26. Review status: criteria provided, single submitter. Criteria: Ambry Variant Classification Scheme 2023. Collection method: clinical testing. Allele origin: germline.
Comment: Does not currently meet published gene-disease clinical validity criteria Based on insufficient or conflicting evidence, the clinical significance of this alteration remains unclear.

Literature cited by the submitters: PubMed 28106320.

NM_001012338.3(NTRK3):c.2464A>G (p.Lys822Glu)

Gene: NTRK3 (neurotrophic receptor tyrosine kinase 3; minus strand). Cytogenetic location: 15q25.3.
Variant type: single nucleotide variant.
Coding change: c.2464A>G on transcript NM_001012338.3 (MANE Select); coding-DNA position 2464, A replaced by G.
Protein change: p.Lys822Glu; replaces lysine 822 with glutamic acid.
Molecular consequence: missense variant.
Genome position (GRCh38, 1-based): chr15:87,876,991, T>C on the plus strand (A>G on the coding strand, the complement: NTRK3 is on the minus strand). VCF-style: chr15-87876991-T-C. GRCh37 (hg19) VCF-style: chr15-88420222-T-C.
Other names: c.2398A>G, p.Lys800Glu (NM_001243101.2, NM_001375812.1); c.2464A>G, p.Lys822Glu (NM_001375810.1); c.2422A>G, p.Lys808Glu (NM_001375811.1, NM_002530.4); short protein forms K800E, K822E, K808E.
Identifiers: ClinVar variation 3881438 (VCV003881438.1).